The following is an entry in ClinVar:

ClinVar aggregate classification (germline): Conflicting classifications of pathogenicity. Review status: criteria provided, conflicting classifications (1 of 4 stars). 4 submissions from 4 submitters: Uncertain significance (1); Benign (1); Likely benign (2). Last evaluated 2025-09-28.

Conditions:
Leukodystrophy, hypomyelinating, 7, with or without oligodontia and/or hypogonadotropic hypogonadism (HLD7). Also called: LEUKODYSTROPHY, HYPOMYELINATING, 7, WITH OLIGODONTIA; LEUKODYSTROPHY, HYPOMYELINATING, 7, WITH OLIGODONTIA AND HYPOGONADOTROPIC HYPOGONADISM; LEUKODYSTROPHY, HYPOMYELINATING, 7, WITHOUT OLIGODONTIA OR HYPOGONADOTROPIC HYPOGONADISM; LEUKOENCEPHALOPATHY, HYPOMYELINATING, WITH ATAXIA AND DELAYED DENTITION; ATAXIA, DELAYED DENTITION, AND HYPOMYELINATION; Ataxia, Delayed Dentition and Hypomyelination (ADDH). Identifiers: Orphanet 137639, Orphanet 447893, Orphanet 447896, Orphanet 77295, Orphanet 88637, MedGen CN034185, MONDO:0011897, OMIM 607694.

Allele frequency attached by ClinVar (database versions not stated): TOPMed 0.00070; 1000 Genomes Project 30x 0.00125; 1000 Genomes Project 0.00160.
gnomAD v4.1: 349 of 1,613,902 alleles (0.022%); highest among the groups gnomAD compares: East Asian, 0.45%; no homozygotes.

Submissions (6):

Labcorp Genetics (formerly Invitae), Labcorp
Classification: Benign. Last evaluated: 2025-09-28. Review status: criteria provided, single submitter. Criteria: Invitae Variant Classification Sherloc (09022015). Collection method: clinical testing. Allele origin: germline.

Blueprint Genetics
Classification: Likely benign. Last evaluated: 2024-11-07. Review status: criteria provided, single submitter. Criteria: ACMG Guidelines, 2015. Collection method: clinical testing. Allele origin: germline.

Institute for Clinical Genetics, University Hospital TU Dresden, University Hospital TU Dresden
Classification: Uncertain significance. Last evaluated: 2021-11-03. Review status: criteria provided, single submitter. Criteria: ACMG Guidelines, 2015. Collection method: clinical testing. Allele origin: germline.

Illumina Laboratory Services, Illumina
Classification: Likely benign for Leukodystrophy, hypomyelinating, 7, with or without oligodontia and/or hypogonadotropic hypogonadism. Last evaluated: 2018-01-13. Review status: criteria provided, single submitter. Criteria: ICSL Variant Classification Criteria 13 December 2019. Collection method: clinical testing. Allele origin: germline.
Comment: This variant was observed in the ICSL laboratory as part of a predisposition screen in an ostensibly healthy population. It had not been previously curated by ICSL or reported in the Human Gene Mutation Database (HGMD: prior to June 1st, 2018), and was therefore a candidate for classification through an automated scoring system. Utilizing variant allele frequency, disease prevalence and penetrance estimates, and inheritance mode, an automated score was calculated to assess if this variant is too frequent to cause the disease. Based on the score and internal cut-off values, a variant classified as likely benign is not then subjected to further curation. The score for this variant resulted in a classification of likely benign for this disease.

Dr. Peter K. Rogan Lab, Western University
No classification provided (evidence only). Condition: Malignant tumor of esophagus. Review status: no classification provided. Collection method: in vitro. Allele origin: not applicable. Functional consequence: retained intron. Not counted in ClinVar's aggregate classification.

Dr. Peter K. Rogan Lab, Western University
No classification provided (evidence only). Condition: Malignant tumor of esophagus. Review status: no classification provided. Collection method: in vitro. Allele origin: not applicable. Functional consequence: skipped exon. Not counted in ClinVar's aggregate classification.

NM_007055.4(POLR3A):c.1771-6C>A

Gene: POLR3A (RNA polymerase III subunit A; minus strand). Cytogenetic location: 10q22.3.
Variant type: single nucleotide variant.
Coding change: c.1771-6C>A on transcript NM_007055.4 (MANE Select); 6 bases into the intron before coding-DNA position 1771, C replaced by A.
Molecular consequence: intron variant.
Genome position (GRCh38, 1-based): chr10:78,009,681, G>T on the plus strand (C>A on the coding strand, the complement: POLR3A is on the minus strand). VCF-style: chr10-78009681-G-T. GRCh37 (hg19) VCF-style: chr10-79769439-G-T.
Identifiers: ClinVar variation 301067 (VCV000301067.18), dbSNP rs115020338, ClinGen allele CA5571320.
Genomic context (GRCh38, chr10:78,009,681, plus strand): 5'-CGCTAGGCCTGAGGATGACACTGAAGATCTGCTTTCCCGTCCACAGGGTGACAGGCTGAG[G>T]GGGGGAGGAAGCCTGAGAGTCAGTGGGCTGAGCCTGGTCTCAATCCCCCTTCAGTAGACG-3'